The following is an entry in ClinVar:

ClinVar aggregate classification (germline): Likely benign. Review status: criteria provided, multiple submitters, no conflicts (2 of 4 stars). 2 submissions from 2 submitters: Likely benign (2). Last evaluated 2025-09-24.

Conditions:
Dilated cardiomyopathy 1G (CMD1G). Identifiers: Orphanet 154, MedGen C1858763, MONDO:0011400, OMIM 604145.
Autosomal recessive limb-girdle muscular dystrophy type 2J (LGMDR10). Also called: MUSCULAR DYSTROPHY, LIMB-GIRDLE, AUTOSOMAL RECESSIVE 10; Limb-girdle muscular dystrophy, type 2J. Identifiers: Orphanet 140922, MedGen C1837342, MONDO:0012127, OMIM 608807.

Submissions (2):

Labcorp Genetics (formerly Invitae), Labcorp
Classification: Likely benign for Dilated cardiomyopathy 1G; Autosomal recessive limb-girdle muscular dystrophy type 2J. Last evaluated: 2025-09-24. Review status: criteria provided, single submitter. Criteria: Invitae Variant Classification Sherloc (09022015). Collection method: clinical testing. Allele origin: germline.

GeneDx
Classification: Likely benign. Last evaluated: 2016-06-24. Review status: criteria provided, single submitter. Criteria: GeneDx Variant Classification (06012015). Collection method: clinical testing. Allele origin: germline. Affected: yes.
Comment: This variant is considered likely benign or benign based on one or more of the following criteria: it is a conservative change, it occurs at a poorly conserved position in the protein, it is predicted to be benign by multiple in silico algorithms, and/or has population frequency not consistent with disease.

NM_001267550.2(TTN):c.25351+20del

Gene: TTN (titin; minus strand). Cytogenetic location: 2q31.2.
Variant type: Deletion.
Coding change: c.25351+20del on transcript NM_001267550.2 (MANE Select); 20 bases into the intron after coding-DNA position 25351, one base deleted (C; older notation c.25351+20delC).
Molecular consequence: intron variant.
Genome position (GRCh38, 1-based): chr2:178,717,503, G deleted on the plus strand (C on the coding strand, the reverse complement: TTN is on the minus strand); the first of 3 consecutive G bases (chr2:178,717,503-178,717,505); deleting any one gives the same sequence. VCF-style (leftmost placement, unchanged base first): chr2-178717502-AG-A. GRCh37 (hg19) VCF-style: chr2-179582229-AG-A.
Other names: c.21619+20del (NM_133378.4); c.24400+20del (NM_001256850.1); c.13282+20579del (NM_003319.4); c.13858+20579del (NM_133437.4); c.13657+20579del (NM_133432.3); c.24400+20delC (NM_001256850.1).
Identifiers: ClinVar variation 421512 (VCV000421512.2), dbSNP rs749062982, ClinGen allele CA2000238.
Genomic context (GRCh38, chr2:178,717,502, plus strand): 5'-GAAACTAAATGGCACCAGCCTTTTGGTGGCCTGGAGCAGTGAAGCTGCTTTACAATGAAG[AG>A]GGTACTGTGAGTTACTCACCTGAGAGAATGAGCTTGGCACTGGATGAAGCAGTCCCAAGA-3'